The following is an entry in ClinVar:

ClinVar aggregate classification (germline): Uncertain significance. Review status: criteria provided, multiple submitters, no conflicts (2 of 4 stars). 7 submissions from 7 submitters: Uncertain significance (6). 1 of the submissions does not count toward it. Last evaluated 2024-08-29.

Conditions:
Nephronophthisis. Also called: Juvenile Nephronophthisis. Identifiers: Orphanet 655, MedGen C0687120, MONDO:0019005, HP:0000090.
GLIS2-related disorder. Also called: GLIS2-related condition.
Nephronophthisis 7 (NPHP7). Identifiers: Orphanet 655, MedGen C1969092, MONDO:0012680, OMIM 611498.

Allele frequency attached by ClinVar (database versions not stated): ExAC 0.00009; gnomAD 0.00009 and 0.00010; gnomAD exomes 0.00012 and 0.00016; TOPMed 0.00018.
gnomAD v4.1: 181 of 1,536,306 alleles (0.012%); highest among the groups gnomAD compares: Middle Eastern, 0.11%; no homozygotes.

Submissions (7):

Labcorp Genetics (formerly Invitae), Labcorp
Classification: Uncertain significance for Nephronophthisis. Last evaluated: 2024-08-29. Review status: criteria provided, single submitter. Criteria: Invitae Variant Classification Sherloc (09022015). Collection method: clinical testing. Allele origin: germline.
Comment: This sequence change replaces glycine, which is neutral and non-polar, with arginine, which is basic and polar, at codon 393 of the GLIS2 protein (p.Gly393Arg). This variant is present in population databases (rs759416922, gnomAD 0.06%). This variant has not been reported in the literature in individuals affected with GLIS2-related conditions. ClinVar contains an entry for this variant (Variation ID: 884520). Experimental studies and prediction algorithms are not available or were not evaluated, and the functional significance of this variant is currently unknown. In summary, the available evidence is currently insufficient to determine the role of this variant in disease. Therefore, it has been classified as a Variant of Uncertain Significance.

Ambry Genetics
Classification: Uncertain significance. Last evaluated: 2023-12-14. Review status: criteria provided, single submitter. Criteria: Ambry Variant Classification Scheme 2023. Collection method: clinical testing. Allele origin: germline.

Mayo Clinic Laboratories, Mayo Clinic
Classification: Uncertain significance. Last evaluated: 2022-12-07. Review status: criteria provided, single submitter. Criteria: ACMG Guidelines, 2015. Collection method: clinical testing. Allele origin: germline. Observed: 1 variant allele.
Comment: BP4

Fulgent Genetics
Classification: Uncertain significance for Nephronophthisis 7. Last evaluated: 2022-03-29. Review status: criteria provided, single submitter. Criteria: ACMG Guidelines, 2015. Collection method: clinical testing. Allele origin: unknown.

Illumina Laboratory Services, Illumina
Classification: Uncertain significance for Nephronophthisis 7. Last evaluated: 2018-01-13. Review status: criteria provided, single submitter. Criteria: ICSL Variant Classification Criteria 13 December 2019. Collection method: clinical testing. Allele origin: germline.

Breakthrough Genomics
Classification: Uncertain significance. Review status: criteria provided, single submitter. Criteria: ACMG Guidelines, 2015. Collection method: not provided. Allele origin: germline. Inheritance: Unknown mechanism. Affected: yes.

PreventionGenetics, part of Exact Sciences
Classification: Uncertain significance for GLIS2-related condition. Last evaluated: 2024-09-03. Review status: no assertion criteria provided. Collection method: clinical testing. Allele origin: germline. Not counted in ClinVar's aggregate classification.
Comment: The GLIS2 c.1177G>A variant is predicted to result in the amino acid substitution p.Gly393Arg. To our knowledge, this variant has not been reported in the literature. This variant is reported in 0.051% of alleles in individuals of Latino descent in gnomAD. At this time, the clinical significance of this variant is uncertain due to the absence of conclusive functional and genetic evidence.

NM_032575.3(GLIS2):c.1177G>A (p.Gly393Arg)

Gene: GLIS2 (GLIS family zinc finger 2; plus strand). Cytogenetic location: 16p13.3.
Variant type: single nucleotide variant.
Coding change: c.1177G>A on transcript NM_032575.3 (MANE Select); coding-DNA position 1177, G replaced by A.
Protein change: p.Gly393Arg; replaces glycine 393 with arginine.
Molecular consequence: missense variant.
Genome position (GRCh38, 1-based): chr16:4,337,126, G>A. VCF-style: chr16-4337126-G-A. GRCh37 (hg19) VCF-style: chr16-4387127-G-A.
Other names: p.Gly393Arg; c.1177G>A, p.Gly393Arg (NM_001318918.2); short protein forms G393R.
Identifiers: ClinVar variation 884520 (VCV000884520.12), dbSNP rs759416922, ClinGen allele CA7873210.